The following is an entry in ClinVar:

NM_017775.4(TTC19):c.424-155C>T

Gene: TTC19 (tetratricopeptide repeat domain 19; plus strand). Cytogenetic location: 17p12.
Variant type: single nucleotide variant.
Coding change: c.424-155C>T on transcript NM_017775.4 (MANE Select); 155 bases into the intron before coding-DNA position 424, C replaced by T.
Molecular consequence: intron variant.
Genome position (GRCh38, 1-based): chr17:16,002,638, C>T. VCF-style: chr17-16002638-C-T. GRCh37 (hg19) VCF-style: chr17-15905952-C-T.
Other names: c.103-155C>T (NM_001271420.2).
Identifiers: ClinVar variation 684291 (VCV000684291.2), dbSNP rs8076538, ClinGen allele CA8407354.

ClinVar aggregate classification (germline): Benign. Review status: criteria provided, multiple submitters, no conflicts (2 of 4 stars). 2 submissions from 2 submitters: Benign (2). Last evaluated 2018-06-14.

Allele frequency attached by ClinVar (database versions not stated): gnomAD exomes 0.03530 and 0.05248; gnomAD 0.12504 and 0.12962; TOPMed 0.13685; ExAC 0.15220; 1000 Genomes Project 0.16374; 1000 Genomes Project 30x 0.17052.
gnomAD v4.1: 39,325 of 722,774 alleles (5.4%); highest among the groups gnomAD compares: African/African-American, 40%; 5,253 homozygotes.

Submissions (2):

GeneDx
Classification: Benign. Last evaluated: 2018-06-14. Review status: criteria provided, single submitter. Criteria: GeneDx Variant Classification (06012015). Collection method: clinical testing. Allele origin: germline. Affected: yes.
Comment: This variant is considered likely benign or benign based on one or more of the following criteria: it is a conservative change, it occurs at a poorly conserved position in the protein, it is predicted to be benign by multiple in silico algorithms, and/or has population frequency not consistent with disease.

Breakthrough Genomics
Classification: Benign. Review status: criteria provided, single submitter. Criteria: ACMG Guidelines, 2015. Collection method: not provided. Allele origin: germline. Inheritance: Autosomal recessive inheritance. Affected: yes.